The following is an entry in ClinVar:

ClinVar aggregate classification (germline): Uncertain significance (1 of 4 stars; one submission).

Allele frequency attached by ClinVar (database versions not stated): ExAC 0.00002; gnomAD exomes 0.00002; ESP Exome Variant Server 0.00016.
gnomAD v4.1: 54 of 1,612,700 alleles (0.0033%); highest among the groups gnomAD compares: African/African-American, 0.029%; no homozygotes.

Submission:

Labcorp Genetics (formerly Invitae), Labcorp
Classification: Uncertain significance. Last evaluated: 2020-11-30. Review status: criteria provided, single submitter. Criteria: Invitae Variant Classification Sherloc (09022015). Collection method: clinical testing. Allele origin: germline.
Comment: This sequence change replaces arginine with glutamine at codon 1034 of the MPDZ protein (p.Arg1034Gln). The arginine residue is highly conserved and there is a small physicochemical difference between arginine and glutamine. This variant is present in population databases (rs376187489, ExAC 0.02%). This variant has not been reported in the literature in individuals with MPDZ-related conditions. Algorithms developed to predict the effect of missense changes on protein structure and function (SIFT, PolyPhen-2, Align-GVGD) all suggest that this variant is likely to be disruptive, but these predictions have not been confirmed by published functional studies and their clinical significance is uncertain. In summary, the available evidence is currently insufficient to determine the role of this variant in disease. Therefore, it has been classified as a Variant of Uncertain Significance.

NM_001378778.1(MPDZ):c.3101G>A (p.Arg1034Gln)

Gene: MPDZ (multiple PDZ domain crumbs cell polarity complex component; minus strand). Cytogenetic location: 9p23.
Variant type: single nucleotide variant.
Coding change: c.3101G>A on transcript NM_001378778.1 (MANE Select); coding-DNA position 3101, G replaced by A.
Protein change: p.Arg1034Gln; replaces arginine 1034 with glutamine.
Molecular consequence: missense variant.
Genome position (GRCh38, 1-based): chr9:13,168,519, C>T on the plus strand (G>A on the coding strand, the complement: MPDZ is on the minus strand). VCF-style: chr9-13168519-C-T. GRCh37 (hg19) VCF-style: chr9-13168518-C-T.
Other names: c.3101G>A, p.Arg1034Gln (NM_001261406.2, NM_001261407.2, NM_001330637.2 and 14 more transcripts); short protein forms R1034Q.
Identifiers: ClinVar variation 1466982 (VCV001466982.7), dbSNP rs376187489, ClinGen allele CA4987255.